The following is an entry in ClinVar:

ClinVar aggregate classification (germline): Pathogenic (1 of 4 stars; one submission).

Submission:

Labcorp Genetics (formerly Invitae), Labcorp
Classification: Pathogenic. Last evaluated: 2023-05-19. Review status: criteria provided, single submitter. Criteria: Invitae Variant Classification Sherloc (09022015). Collection method: clinical testing. Allele origin: germline.
Comment: For these reasons, this variant has been classified as Pathogenic. This variant disrupts a region of the HSD3B2 protein in which other variant(s) (p.Arg335*) have been determined to be pathogenic (PMID: 18252794, 31006099). This suggests that this is a clinically significant region of the protein, and that variants that disrupt it are likely to be disease-causing. This variant disrupts the C-terminus of the HSD3B2 protein, which has been demonstrated to be critical for enzymatic activity (PMID: 1825279). While functional studies have not been performed to directly test the effect of this variant on HSD3B2 protein function, this suggests that disruption of this region of the protein is causative of disease. ClinVar contains an entry for this variant (Variation ID: 1456481). This variant has not been reported in the literature in individuals affected with HSD3B2-related conditions. This variant is not present in population databases (gnomAD no frequency). This sequence change creates a premature translational stop signal (p.Trp230*) in the HSD3B2 gene. While this is not anticipated to result in nonsense mediated decay, it is expected to disrupt the last 143 amino acid(s) of the HSD3B2 protein.

Literature cited by the submitters: PubMed 18252794; PubMed 31006099; PubMed 1825279.

NM_000198.4(HSD3B2):c.690G>A (p.Trp230Ter)

Gene: HSD3B2 (hydroxy-delta-5-steroid dehydrogenase, 3 beta- and steroid delta-isomerase 2; plus strand). Cytogenetic location: 1p12.
Variant type: single nucleotide variant.
Coding change: c.690G>A on transcript NM_000198.4 (MANE Select); coding-DNA position 690, G replaced by A.
Protein change: p.Trp230Ter; replaces tryptophan 230 with a stop codon.
Molecular consequence: nonsense.
Genome position (GRCh38, 1-based): chr1:119,422,191, G>A. VCF-style: chr1-119422191-G-A. GRCh37 (hg19) VCF-style: chr1-119964814-G-A.
Other names: c.690G>A, p.Trp230Ter (NM_001166120.2); short protein forms W230*.
Identifiers: ClinVar variation 1456481 (VCV001456481.6), dbSNP rs2101349982, ClinGen allele CA341397960.
Genomic context (GRCh38, chr1:119,422,191, plus strand): 5'-CCTGTCAAGTGTTGGAAAGTTCTCTACAGTCAACCCAGTCTATGTTGGCAACGTGGCCTG[G>A]GCCCACATTCTGGCCTTGAGGGCTCTGCGGGACCCCAAGAAGGCCCCAAGTGTCCGAGGT-3'